The following is an entry in ClinVar:

NM_005236.3(ERCC4):c.2423C>T (p.Ala808Val)

Gene: ERCC4 (ERCC excision repair 4, endonuclease catalytic subunit; plus strand). Cytogenetic location: 16p13.12.
Variant type: single nucleotide variant.
Coding change: c.2423C>T on transcript NM_005236.3 (MANE Select); coding-DNA position 2423, C replaced by T.
Protein change: p.Ala808Val; replaces alanine 808 with valine.
Molecular consequence: missense variant.
Genome position (GRCh38, 1-based): chr16:13,948,019, C>T. VCF-style: chr16-13948019-C-T. GRCh37 (hg19) VCF-style: chr16-14041876-C-T.
Other names: short protein forms A808V.
Identifiers: ClinVar variation 3763282 (VCV003763282.2).

ClinVar aggregate classification (germline): Uncertain significance (1 of 4 stars; one submission).

Conditions:
Xeroderma pigmentosum, group F (XPF). Also called: XERODERMA PIGMENTOSUM, COMPLEMENTATION GROUP F; XERODERMA PIGMENTOSUM, TYPE F; Xeroderma pigmentosum, type 6; XERODERMA PIGMENTOSUM VI; XP, GROUP F; ERCC4-Related Xeroderma Pigmentosum. Identifiers: MedGen C0268140, MONDO:0010215, OMIM 278760.
Cockayne syndrome. Identifiers: Orphanet 191, MedGen C0009207, MONDO:0016006.
Fanconi anemia complementation group Q. Identifiers: Orphanet 84, MedGen C3808988, MONDO:0014108, OMIM 615272.

Submission:

Labcorp Genetics (formerly Invitae), Labcorp
Classification: Uncertain significance for Fanconi anemia complementation group Q; Xeroderma pigmentosum, group F; Cockayne syndrome. Last evaluated: 2024-06-15. Review status: criteria provided, single submitter. Criteria: Invitae Variant Classification Sherloc (09022015). Collection method: clinical testing. Allele origin: germline.
Comment: This sequence change replaces alanine, which is neutral and non-polar, with valine, which is neutral and non-polar, at codon 808 of the ERCC4 protein (p.Ala808Val). This variant is not present in population databases (gnomAD no frequency). This variant has not been reported in the literature in individuals affected with ERCC4-related conditions. Advanced modeling of protein sequence and biophysical properties (such as structural, functional, and spatial information, amino acid conservation, physicochemical variation, residue mobility, and thermodynamic stability) performed at Invitae indicates that this missense variant is not expected to disrupt ERCC4 protein function with a negative predictive value of 80%. In summary, the available evidence is currently insufficient to determine the role of this variant in disease. Therefore, it has been classified as a Variant of Uncertain Significance.